The following is an entry in ClinVar:

NM_000263.4(NAGLU):c.32G>T (p.Gly11Val)

Genes: NAGLU (N-acetyl-alpha-glucosaminidase; plus strand), LOC130060903 (ATAC-STARR-seq lymphoblastoid silent region 8533; plus strand). Cytogenetic location: 17q21.2.
Variant type: single nucleotide variant.
Coding change: c.32G>T on transcript NM_000263.4 (MANE Select); coding-DNA position 32, G replaced by T.
Protein change: p.Gly11Val; replaces glycine 11 with valine.
Molecular consequence: missense variant.
Genome position (GRCh38, 1-based): chr17:42,536,304, G>T. VCF-style: chr17-42536304-G-T. GRCh37 (hg19) VCF-style: chr17-40688322-G-T.
Other names: short protein forms G11V.
Identifiers: ClinVar variation 1451100 (VCV001451100.3), dbSNP rs1217361905, ClinGen allele CA399594985.

ClinVar aggregate classification (germline): Uncertain significance (1 of 4 stars; one submission).

Conditions:
Mucopolysaccharidosis, MPS-III-B (MPS3B). Also called: N-ACETYL-ALPHA-D-GLUCOSAMINIDASE DEFICIENCY; NAGLU DEFICIENCY; SANFILIPPO SYNDROME B; MPS III B; MPS IIIB (Sanfilippo Syndrome Type B); MUCOPOLYSACCHARIDOSIS, TYPE IIIB. Identifiers: Orphanet 79270, MedGen C0086648, MONDO:0009656, OMIM 252920.
Charcot-Marie-Tooth disease axonal type 2V. Also called: CHARCOT-MARIE-TOOTH NEUROPATHY, TYPE 2V; CHARCOT-MARIE-TOOTH DISEASE, AXONAL, AUTOSOMAL DOMINANT, TYPE 2V. Identifiers: Orphanet 447964, MedGen C5569050, MONDO:0014665, OMIM 616491.

Allele frequency attached by ClinVar (database versions not stated): gnomAD exomes 0.00001.

Submission:

Labcorp Genetics (formerly Invitae), Labcorp
Classification: Uncertain significance for Charcot-Marie-Tooth disease axonal type 2V; Mucopolysaccharidosis, MPS-III-B. Last evaluated: 2022-09-06. Review status: criteria provided, single submitter. Criteria: Invitae Variant Classification Sherloc (09022015). Collection method: clinical testing. Allele origin: germline.
Comment: This sequence change replaces glycine, which is neutral and non-polar, with valine, which is neutral and non-polar, at codon 11 of the NAGLU protein (p.Gly11Val). This variant is not present in population databases (gnomAD no frequency). This variant has not been reported in the literature in individuals affected with NAGLU-related conditions. ClinVar contains an entry for this variant (Variation ID: 1451100). Advanced modeling of protein sequence and biophysical properties (such as structural, functional, and spatial information, amino acid conservation, physicochemical variation, residue mobility, and thermodynamic stability) performed at Invitae indicates that this missense variant is not expected to disrupt NAGLU protein function. In summary, the available evidence is currently insufficient to determine the role of this variant in disease. Therefore, it has been classified as a Variant of Uncertain Significance.